The following is an entry in ClinVar:

NM_153676.4(USH1C):c.2423A>C (p.Lys808Thr)

Gene: USH1C (USH1 protein network component harmonin; minus strand). Cytogenetic location: 11p15.1.
Variant type: single nucleotide variant.
Coding change: c.2423A>C on transcript NM_153676.4 (MANE Select); coding-DNA position 2423, A replaced by C.
Protein change: p.Lys808Thr; replaces lysine 808 with threonine.
Molecular consequence: missense variant. On other transcripts: non-coding transcript variant (1).
Genome position (GRCh38, 1-based): chr11:17,498,229, T>G on the plus strand (A>C on the coding strand, the complement: USH1C is on the minus strand). VCF-style: chr11-17498229-T-G. GRCh37 (hg19) VCF-style: chr11-17519776-T-G.
Other names: c.1466A>C, p.Lys489Thr (NM_001297764.2); c.1523A>C, p.Lys508Thr (NM_005709.4); c.1523A>C (NM_005709.3); short protein forms K489T, K808T, K508T.
Identifiers: ClinVar variation 1362798 (VCV001362798.6), dbSNP rs1849310143, ClinGen allele CA379801060.

ClinVar aggregate classification (germline): Uncertain significance. Review status: criteria provided, multiple submitters, no conflicts (2 of 4 stars). 2 submissions from 2 submitters: Uncertain significance (2). Last evaluated 2022-07-19.

Conditions:
Inborn genetic diseases. Identifiers: MedGen C0950123, MeSH D030342.

Allele frequency attached by ClinVar (database versions not stated): gnomAD exomes below 0.00001; TOPMed 0.00001.

Submissions (2):

Labcorp Genetics (formerly Invitae), Labcorp
Classification: Uncertain significance. Last evaluated: 2022-07-19. Review status: criteria provided, single submitter. Criteria: Invitae Variant Classification Sherloc (09022015). Collection method: clinical testing. Allele origin: germline.
Comment: This sequence change replaces lysine, which is basic and polar, with threonine, which is neutral and polar, at codon 508 of the USH1C protein (p.Lys508Thr). This variant is not present in population databases (gnomAD no frequency). This variant has not been reported in the literature in individuals affected with USH1C-related conditions. ClinVar contains an entry for this variant (Variation ID: 1362798). Algorithms developed to predict the effect of missense changes on protein structure and function are either unavailable or do not agree on the potential impact of this missense change (SIFT: "Deleterious"; PolyPhen-2: "Possibly Damaging"; Align-GVGD: "Class C0"). In summary, the available evidence is currently insufficient to determine the role of this variant in disease. Therefore, it has been classified as a Variant of Uncertain Significance.

Ambry Genetics
Classification: Uncertain significance for Inborn genetic diseases. Last evaluated: 2021-12-06. Review status: criteria provided, single submitter. Criteria: Ambry Variant Classification Scheme 2023. Collection method: clinical testing. Allele origin: germline.